The following is an entry in ClinVar:

ClinVar aggregate classification (germline): Uncertain significance (1 of 4 stars; one submission).

Conditions:
Inborn genetic diseases. Identifiers: MedGen C0950123, MeSH D030342.

Submission:

Ambry Genetics
Classification: Uncertain significance for Inborn genetic diseases. Last evaluated: 2026-07-19. Review status: criteria provided, single submitter. Criteria: Ambry Variant Classification Scheme 2023. Collection method: clinical testing. Allele origin: germline.
Comment: The p.S11R variant (also known as c.33C>A), located in coding exon 1 of the USB1 gene, results from a C to A substitution at nucleotide position 33. The serine at codon 11 is replaced by arginine, an amino acid with dissimilar properties. This amino acid position is conserved. In addition, the in silico prediction for this alteration is inconclusive. Based on the available evidence, the clinical significance of this variant remains unclear.

NM_024598.4(USB1):c.33C>A (p.Ser11Arg)

Genes: USB1 (U6 snRNA biogenesis phosphodiesterase 1; plus strand), LOC112469011 (Sharpr-MPRA regulatory region 3942; plus strand). Cytogenetic location: 16q21.
Variant type: single nucleotide variant.
Coding change: c.33C>A on transcript NM_024598.4 (MANE Select); coding-DNA position 33, C replaced by A.
Protein change: p.Ser11Arg; replaces serine 11 with arginine.
Molecular consequence: missense variant. On other transcripts: intron variant (1).
Genome position (GRCh38, 1-based): chr16:58,001,516, C>A. VCF-style: chr16-58001516-C-A. GRCh37 (hg19) VCF-style: chr16-58035420-C-A.
Other names: c.33C>A, p.Ser11Arg (NM_001195302.2, NM_001204911.2, NM_001330569.2); c.-55-963C>A (NM_001330568.2); short protein forms S11R.
Identifiers: ClinVar variation 5031613 (VCV005031613.1).